The following is an entry in ClinVar:

NM_020366.4(RPGRIP1):c.2644C>T (p.Pro882Ser)

Gene: RPGRIP1 (RPGR interacting protein 1; plus strand). Cytogenetic location: 14q11.2.
Variant type: single nucleotide variant.
Coding change: c.2644C>T on transcript NM_020366.4 (MANE Select); coding-DNA position 2644, C replaced by T.
Protein change: p.Pro882Ser; replaces proline 882 with serine.
Molecular consequence: missense variant. On other transcripts: intron variant (4).
Genome position (GRCh38, 1-based): chr14:21,326,107, C>T. VCF-style: chr14-21326107-C-T. GRCh37 (hg19) VCF-style: chr14-21794266-C-T.
Other names: c.1570C>T, p.Pro524Ser (NM_001377948.1); c.796+1382C>T (NM_001377949.1); c.689-1516C>T (NM_001377523.1, NM_001377950.1); c.191-1516C>T (NM_001377951.1); short protein forms P524S, P882S.
Identifiers: ClinVar variation 1137638 (VCV001137638.13), dbSNP rs200657688, ClinGen allele CA7089309.
Genomic context (GRCh38, chr14:21,326,107, plus strand): 5'-GACCATTATCTGAGACGGGAGGCCTTGTCTATACATGTTTTTGATGATGAAGACTTAGAG[C>T]CTGGCTCGTATCTTGGCCGAGCCCGAGTGCCTTTACTGCCTCTTGCAAAAAATGAATCTA-3'
Protein context (NP_065099.3, residues 872-892): IHVFDDEDLE[Pro882Ser]GSYLGRARVP

ClinVar aggregate classification (germline): Conflicting classifications of pathogenicity. Review status: criteria provided, conflicting classifications (1 of 4 stars). 5 submissions from 4 submitters: Uncertain significance (4); Likely benign (1). Last evaluated 2026-01-28.

Conditions:
Cone-rod dystrophy 13 (CORD13). Identifiers: Orphanet 1872, MedGen C2750720, MONDO:0011987, OMIM 608194.
Leber congenital amaurosis 6 (LCA6). Identifiers: Orphanet 65, MedGen C1854260, MONDO:0013446, OMIM 613826.

Allele frequency attached by ClinVar (database versions not stated): gnomAD exomes 0.00007 and 0.00020; ExAC 0.00023; 1000 Genomes Project 0.00040; 1000 Genomes Project 30x 0.00062; gnomAD 0.00073 and 0.00077; TOPMed 0.00082; ESP Exome Variant Server 0.00116.
gnomAD v4.1: 213 of 1,609,668 alleles (0.013%); highest among the groups gnomAD compares: African/African-American, 0.27%; 1 homozygote.

Submissions (5):

Labcorp Genetics (formerly Invitae), Labcorp
Classification: Likely benign for Leber congenital amaurosis 6; Cone-rod dystrophy 13. Last evaluated: 2026-01-28. Review status: criteria provided, single submitter. Criteria: Invitae Variant Classification Sherloc (09022015). Collection method: clinical testing. Allele origin: germline.

Blueprint Genetics
Classification: Uncertain significance. Last evaluated: 2024-08-06. Review status: criteria provided, single submitter. Criteria: ACMG Guidelines, 2015. Collection method: clinical testing. Allele origin: germline.

Genome-Nilou Lab
Classification: Uncertain significance for Leber congenital amaurosis 6. Last evaluated: 2021-11-07. Review status: criteria provided, single submitter. Criteria: ACMG Guidelines, 2015. Collection method: clinical testing. Allele origin: germline. Affected: no.

Genome-Nilou Lab
Classification: Uncertain significance for Cone-rod dystrophy 13. Last evaluated: 2021-11-07. Review status: criteria provided, single submitter. Criteria: ACMG Guidelines, 2015. Collection method: clinical testing. Allele origin: germline. Affected: no.

GeneDx
Classification: Uncertain significance. Last evaluated: 2020-02-14. Review status: criteria provided, single submitter. Criteria: GeneDx Variant Classification Process June 2021. Collection method: clinical testing. Allele origin: germline. Affected: yes.
Comment: In silico analysis supports that this missense variant has a deleterious effect on protein structure/function; Identified in an individual with juvenile retinitis pigmentosa in a published abstract who had a likely benign variant on the opposite allele (in trans), and no other variants in RPGRIP1 were reported in this individual (Koenekoop et al., 2004); Reported in association with Leber congenital amaurosis in published literature, but additional clinical information and segregation data were not included (Zernant et al., 2005; Walia et al., 2010); This variant is associated with the following publications: (PMID: 20079931, 16123401)